The following is an entry in ClinVar:

NM_144666.3(DNHD1):c.5560C>T (p.Arg1854Cys)

Gene: DNHD1 (dynein heavy chain domain 1; plus strand). Cytogenetic location: 11p15.4.
Variant type: single nucleotide variant.
Coding change: c.5560C>T on transcript NM_144666.3 (MANE Select); coding-DNA position 5560, C replaced by T.
Protein change: p.Arg1854Cys; replaces arginine 1854 with cysteine.
Molecular consequence: missense variant.
Genome position (GRCh38, 1-based): chr11:6,546,499, C>T. VCF-style: chr11-6546499-C-T. GRCh37 (hg19) VCF-style: chr11-6567729-C-T.
Other names: short protein forms R1854C.
Identifiers: ClinVar variation 1334449 (VCV001334449.2), dbSNP rs1035842147, ClinGen allele CA217314368.

ClinVar aggregate classification (germline): Likely pathogenic. Review status: criteria provided, single submitter (1 of 4 stars). 2 submissions from 2 submitters: Likely pathogenic (1). 1 of the submissions does not count toward it. Last evaluated 2022-06-20.

Conditions:
Spermatogenic failure 65 (SPGF65). Identifiers: MedGen C5562067, MONDO:0030531, OMIM 619712.

Allele frequency attached by ClinVar (database versions not stated): gnomAD 0.00001; gnomAD exomes 0.00001; TOPMed 0.00002.

Submissions (2):

SIB Swiss Institute of Bioinformatics
Classification: Likely pathogenic for Spermatogenic failure 65. Last evaluated: 2022-06-20. Review status: criteria provided, single submitter. Criteria: ACMG Guidelines, 2015. Collection method: curation. Allele origin: unknown.
Comment: This variant is interpreted as likely pathogenic for Spermatogenic failure 65, autosomal recessive. The following ACMG Tag(s) were applied: Absent from controls (or at extremely low frequency if recessive) in Exome Sequencing Project, 1000 Genomes Project, or Exome Aggregation Consortium (PM2); For recessive disorders, detected in trans with a pathogenic variant (PM3); Well-established functional studies show a deleterious effect (PS3 downgraded to moderate).

OMIM
Classification: Pathogenic for SPERMATOGENIC FAILURE 65. Last evaluated: 2022-01-19. Review status: no assertion criteria provided. Collection method: literature only. Allele origin: germline. Not counted in ClinVar's aggregate classification.

Literature cited by the submitters: PubMed 34932939 (cited by SIB Swiss Institute of Bioinformatics and OMIM).